The following is an entry in ClinVar:

ClinVar aggregate classification (germline): Uncertain significance (1 of 4 stars; one submission).

Conditions:
Atrioventricular septal defect 5 (AVSD5). Identifiers: MedGen C3280939, MONDO:0013769, OMIM 614474.

Submission:

Labcorp Genetics (formerly Invitae), Labcorp
Classification: Uncertain significance for Atrioventricular septal defect 5. Last evaluated: 2025-01-30. Review status: criteria provided, single submitter. Criteria: Invitae Variant Classification Sherloc (09022015). Collection method: clinical testing. Allele origin: germline.
Comment: This sequence change replaces methionine, which is neutral and non-polar, with isoleucine, which is neutral and non-polar, at codon 197 of the GATA6 protein (p.Met197Ile). This variant is not present in population databases (gnomAD no frequency). This variant has not been reported in the literature in individuals affected with GATA6-related conditions. Invitae Evidence Modeling of protein sequence and biophysical properties (such as structural, functional, and spatial information, amino acid conservation, physicochemical variation, residue mobility, and thermodynamic stability) indicates that this missense variant is expected to disrupt GATA6 protein function with a positive predictive value of 80%. In summary, the available evidence is currently insufficient to determine the role of this variant in disease. Therefore, it has been classified as a Variant of Uncertain Significance.

NM_005257.6(GATA6):c.591G>A (p.Met197Ile)

Gene: GATA6 (GATA binding protein 6; plus strand). Cytogenetic location: 18q11.2.
Variant type: single nucleotide variant.
Coding change: c.591G>A on transcript NM_005257.6 (MANE Select); coding-DNA position 591, G replaced by A.
Protein change: p.Met197Ile; replaces methionine 197 with isoleucine.
Molecular consequence: missense variant.
Genome position (GRCh38, 1-based): chr18:22,171,735, G>A. VCF-style: chr18-22171735-G-A. GRCh37 (hg19) VCF-style: chr18-19751696-G-A.
Other names: short protein forms M197I.
Identifiers: ClinVar variation 3641628 (VCV003641628.2).
Genomic context (GRCh38, chr18:22,171,735, plus strand): 5'-AGCAGCCGCGGCGGCGGCCAGCTCCCCGGTCTACGTGCCCACCACCCGCGTGGGTTCCAT[G>A]CTGCCCGGCCTACCGTACCACCTGCAGGGGTCGGGCAGTGGGCCAGCCAACCACGCGGGC-3'
Protein context (NP_005248.2, residues 187-207): VYVPTTRVGS[Met197Ile]LPGLPYHLQG